The following is an entry in ClinVar:

ClinVar aggregate classification (germline): Uncertain significance (1 of 4 stars; one submission).

Allele frequency attached by ClinVar (database versions not stated): gnomAD 0.00001; gnomAD exomes 0.00001; TOPMed 0.00001; ExAC 0.00002; ESP Exome Variant Server 0.00008.

Submission:

Labcorp Genetics (formerly Invitae), Labcorp
Classification: Uncertain significance. Last evaluated: 2025-07-31. Review status: criteria provided, single submitter. Criteria: Invitae Variant Classification Sherloc (09022015). Collection method: clinical testing. Allele origin: germline.
Comment: This sequence change replaces arginine, which is basic and polar, with histidine, which is basic and polar, at codon 244 of the ASXL1 protein (p.Arg244His). This variant is present in population databases (rs139716375, gnomAD 0.003%). This variant has not been reported in the literature in individuals affected with ASXL1-related conditions. ClinVar contains an entry for this variant (Variation ID: 1934420). An algorithm developed to predict the effect of missense changes on protein structure and function (PolyPhen-2) suggests that this variant is likely to be disruptive. In summary, the available evidence is currently insufficient to determine the role of this variant in disease. Therefore, it has been classified as a Variant of Uncertain Significance.

NM_015338.6(ASXL1):c.731G>A (p.Arg244His)

Gene: ASXL1 (ASXL transcriptional regulator 1; plus strand). Cytogenetic location: 20q11.21.
Variant type: single nucleotide variant.
Coding change: c.731G>A on transcript NM_015338.6 (MANE Select); coding-DNA position 731, G replaced by A.
Protein change: p.Arg244His; replaces arginine 244 with histidine.
Molecular consequence: missense variant.
Genome position (GRCh38, 1-based): chr20:32,431,333, G>A. VCF-style: chr20-32431333-G-A. GRCh37 (hg19) VCF-style: chr20-31019136-G-A.
Other names: c.548G>A, p.Arg183His (NM_001363734.1); short protein forms R244H, R183H.
Identifiers: ClinVar variation 1934420 (VCV001934420.5), dbSNP rs139716375, ClinGen allele CA9808194.
Genomic context (GRCh38, chr20:32,431,333, plus strand): 5'-TTTTTCTTTTAAAAAGCTGAAATCTATACCTTGCTTCAAAAATCATAGGTCAAATGAAGC[G>A]CAACAGAGGGGAAGAAATAGATTTTGAGACACCTGGGTCCATTCTTGTCAACACCAACCT-3'
Protein context (NP_056153.2, residues 234-254): FRKPATGQMK[Arg244His]NRGEEIDFET